The following is an entry in ClinVar:

NM_014476.6(PDLIM3):c.195G>A (p.Ala65=)

Gene: PDLIM3 (PDZ and LIM domain 3; minus strand). Cytogenetic location: 4q35.1.
Variant type: single nucleotide variant.
Coding change: c.195G>A on transcript NM_014476.6 (MANE Select); coding-DNA position 195, G replaced by A.
Protein change: p.Ala65=; no amino-acid change (alanine 65 retained).
Molecular consequence: synonymous variant. On other transcripts: non-coding transcript variant (1), intron variant (1).
Genome position (GRCh38, 1-based): chr4:185,525,070, C>T on the plus strand (G>A on the coding strand, the complement: PDLIM3 is on the minus strand). VCF-style: chr4-185525070-C-T. GRCh37 (hg19) VCF-style: chr4-186446224-C-T.
Other names: c.195G>A, p.Ala65= (NM_001114107.5, NM_001257962.2); c.93+10272G>A (NM_001257963.2).
Identifiers: ClinVar variation 227844 (VCV000227844.46), dbSNP rs148570356, ClinGen allele CA3159884.
Genomic context (GRCh38, chr4:185,525,070, plus strand): 5'-TAAGAAGCACCTGTCAATTTTGAGACACAGCTGGTGAGCTGCTGCTTTAATCCTGTCCTG[C>T]GCATCAGCATGAGTCATGGACTCTGTCCCAAAGCCGTCAATAGCCAGGATGACATCTCCA-3'
Protein context (NP_055291.2, residues 55-75): FGTESMTHAD[Ala65=]QDRIKAAAHQ

ClinVar aggregate classification (germline): Benign/Likely benign. Review status: criteria provided, multiple submitters, no conflicts (2 of 4 stars). 9 submissions from 9 submitters: Benign (2); Likely benign (5). 2 of the submissions do not count toward it. Last evaluated 2025-12-13.

Conditions:
Hypertrophic cardiomyopathy. Also called: HYPERTROPHIC MYOCARDIOPATHY. Identifiers: Orphanet 217569, MedGen C0007194, MeSH D002312, MONDO:0005045, HP:0001639.
Primary dilated cardiomyopathy (DCM). Also called: Dilated Cardiomyopathy. Identifiers: Orphanet 217604, MedGen C0007193, MeSH D002311, MONDO:0005021, HP:0001644. Inheritance: Various modes of inheritance.

Allele frequency attached by ClinVar (database versions not stated): gnomAD 0.00029 and 0.00036; 1000 Genomes Project 30x 0.00031; 1000 Genomes Project 0.00040; ESP Exome Variant Server 0.00046; TOPMed 0.00047; ExAC 0.00078.
gnomAD v4.1: 813 of 1,614,026 alleles (0.05%); highest among the groups gnomAD compares: South Asian, 0.13%; no homozygotes.

Submissions (9):

Labcorp Genetics (formerly Invitae), Labcorp
Classification: Benign for Hypertrophic cardiomyopathy; Primary dilated cardiomyopathy. Last evaluated: 2025-12-13. Review status: criteria provided, single submitter. Criteria: Invitae Variant Classification Sherloc (09022015). Collection method: clinical testing. Allele origin: germline.

Women's Health and Genetics/Laboratory Corporation of America, LabCorp
Classification: Benign. Last evaluated: 2024-10-20. Review status: criteria provided, single submitter. Criteria: LabCorp Variant Classification Summary - May 2015. Collection method: clinical testing. Allele origin: germline.

Ambry Genetics
Classification: Likely benign. Last evaluated: 2023-09-20. Review status: criteria provided, single submitter. Criteria: Ambry Variant Classification Scheme 2023. Collection method: clinical testing. Allele origin: germline.

CeGaT Center for Human Genetics Tuebingen
Classification: Likely benign. Last evaluated: 2023-07-01. Review status: criteria provided, single submitter. Criteria: CeGaT Center For Human Genetics Tuebingen Variant Classification Criteria Version 2. Collection method: clinical testing. Allele origin: germline. Affected: yes. Observed: 1 variant allele.
Comment: PDLIM3: BP4, BP7

GeneDx
Classification: Likely benign. Last evaluated: 2017-12-18. Review status: criteria provided, single submitter. Criteria: GeneDx Variant Classification (06012015). Collection method: clinical testing. Allele origin: germline. Affected: yes.
Comment: This variant is considered likely benign or benign based on one or more of the following criteria: it is a conservative change, it occurs at a poorly conserved position in the protein, it is predicted to be benign by multiple in silico algorithms, and/or has population frequency not consistent with disease.

Laboratory for Molecular Medicine, Mass General Brigham Personalized Medicine
Classification: Likely benign. Last evaluated: 2016-02-09. Review status: criteria provided, single submitter. Criteria: LMM Criteria. Collection method: clinical testing. Allele origin: germline. Observed: 1 variant allele.
Comment: p.Ala65Ala in exon 2 of PDLIM3: This variant is not expected to have clinical si gnificance because it does not alter an amino acid residue and is not located wi thin the splice consensus sequence. It has been identified in 0.1% (64/66738) of European chromosomes by the Exome Aggregation Consortium (ExAC; dbSNP rs148570356).

Breakthrough Genomics
Classification: Likely benign. Review status: criteria provided, single submitter. Criteria: ACMG Guidelines, 2015. Collection method: not provided. Allele origin: germline. Inheritance: Unknown mechanism. Affected: yes.

Clinical Genetics DNA and cytogenetics Diagnostics Lab, Erasmus MC, Erasmus Medical Center
Classification: Likely benign. Review status: no assertion criteria provided. Collection method: clinical testing. Allele origin: germline. Affected: yes. Study: VKGL Data-share Consensus. Not counted in ClinVar's aggregate classification.

Genome Diagnostics Laboratory, University Medical Center Utrecht
Classification: Likely benign. Review status: no assertion criteria provided. Collection method: clinical testing. Allele origin: germline. Affected: yes. Study: VKGL Data-share Consensus. Not counted in ClinVar's aggregate classification.